The following is an entry in ClinVar:

NM_005359.6(SMAD4):c.1146C>T (p.His382=)

Gene: SMAD4 (SMAD family member 4; plus strand). Cytogenetic location: 18q21.2.
Variant type: single nucleotide variant.
Coding change: c.1146C>T on transcript NM_005359.6 (MANE Select); coding-DNA position 1146, C replaced by T.
Protein change: p.His382=; no amino-acid change (histidine 382 retained).
Molecular consequence: synonymous variant.
Genome position (GRCh38, 1-based): chr18:51,067,025, C>T. VCF-style: chr18-51067025-C-T. GRCh37 (hg19) VCF-style: chr18-48593395-C-T.
Identifiers: ClinVar variation 721372 (VCV000721372.11), dbSNP rs1599196919, ClinGen allele CA503874207.

ClinVar aggregate classification (germline): Benign/Likely benign. Review status: criteria provided, multiple submitters, no conflicts (2 of 4 stars). 4 submissions from 4 submitters: Benign (1); Likely benign (3). Last evaluated 2025-10-05.

Conditions:
Hereditary cancer-predisposing syndrome. Also called: Hereditary neoplastic syndrome; Neoplastic Syndromes, Hereditary; Tumor predisposition; Hereditary Cancer Syndrome. Identifiers: Orphanet 140162, MedGen C0027672, MeSH D009386, MONDO:0015356.
Familial thoracic aortic aneurysm and aortic dissection (TAAD). Also called: Thoracic aortic aneurysms and dissections. Identifiers: Orphanet 91387, MedGen C4707243, MONDO:0019625.
Juvenile polyposis syndrome (JPS). Identifiers: Orphanet 2929, MedGen C0345893, MONDO:0017380, OMIM 174900.
Juvenile polyposis/hereditary hemorrhagic telangiectasia syndrome (JPHT). Also called: Juvenile Polyposis Syndrome / Hereditary Hemorrhagic Telangiectasia (JPS/HHT); JP/HHT SYNDROME; JUVENILE POLYPOSIS WITH HEREDITARY HEMORRHAGIC TELANGIECTASIA; POLYPOSIS, GENERALIZED JUVENILE, WITH PULMONARY ARTERIOVENOUS MALFORMATION; TELANGIECTASIA, HEREDITARY HEMORRHAGIC, WITH JUVENILE POLYPOSIS COLI. Identifiers: Orphanet 2929, MedGen C1832942, MONDO:0008278, OMIM 175050.

Submissions (4):

Women's Health and Genetics/Laboratory Corporation of America, LabCorp
Classification: Likely benign. Last evaluated: 2025-10-05. Review status: criteria provided, single submitter. Criteria: LabCorp Variant Classification Summary - May 2015. Collection method: clinical testing. Allele origin: germline.

Myriad Genetics, Inc.
Classification: Benign for Juvenile polyposis/hereditary hemorrhagic telangiectasia syndrome. Last evaluated: 2025-03-21. Review status: criteria provided, single submitter. Criteria: Myriad Autosomal Dominant, Autosomal Recessive and X-Linked Classification Criteria (2023). Collection method: clinical testing. Allele origin: unknown.
Comment: This variant is considered benign. This variant is a silent/synonymous amino acid change and it is not expected to impact splicing.

Ambry Genetics
Classification: Likely benign for Hereditary cancer-predisposing syndrome; Familial thoracic aortic aneurysm and aortic dissection. Last evaluated: 2023-08-25. Review status: criteria provided, single submitter. Criteria: Ambry Variant Classification Scheme 2023. Collection method: clinical testing. Allele origin: germline.

Labcorp Genetics (formerly Invitae), Labcorp
Classification: Likely benign for Juvenile polyposis syndrome. Last evaluated: 2023-07-31. Review status: criteria provided, single submitter. Criteria: Invitae Variant Classification Sherloc (09022015). Collection method: clinical testing. Allele origin: germline.